The following is an entry in ClinVar:

ClinVar aggregate classification (germline): Pathogenic. Review status: criteria provided, multiple submitters, no conflicts (2 of 4 stars). 7 submissions from 7 submitters: Pathogenic (6). 1 of the submissions does not count toward it. Last evaluated 2026-01-02.

Conditions:
Osteogenesis imperfecta, perinatal lethal (OI2). Also called: VROLIK TYPE OF OSTEOGENESIS IMPERFECTA; OSTEOGENESIS IMPERFECTA, TYPE II; OI, TYPE II; OSTEOGENESIS IMPERFECTA CONGENITA; Osteogenesis imperfecta, dominant perinatal lethal; Osteogenesis imperfecta type 2. Identifiers: Orphanet 216804, MedGen C0268358, MONDO:0008147, OMIM 166210.
Osteogenesis imperfecta type I (OI1). Also called: OSTEOGENESIS IMPERFECTA WITH BLUE SCLERAE; Osteogenesis imperfecta type 1; Lobstein's Disease; OI, TYPE I; OSTEOGENESIS IMPERFECTA TARDA; Classic Non-deforming Osteogenesis Imperfecta with Blue Sclerae. Identifiers: Orphanet 216796, Orphanet 666, MedGen C0023931, MONDO:0008146, OMIM 166200. Disease mechanism: loss of function.
COL1A1-related disorder. Also called: COL1A1- related disease; COL1A1-related condition.

Submissions (7):

Labcorp Genetics (formerly Invitae), Labcorp
Classification: Pathogenic for Osteogenesis imperfecta type I. Last evaluated: 2026-01-02. Review status: criteria provided, single submitter. Criteria: Invitae Variant Classification Sherloc (09022015). Collection method: clinical testing. Allele origin: germline.
Comment: This sequence change creates a premature translational stop signal (p.Gly671Alafs*95) in the COL1A1 gene. It is expected to result in an absent or disrupted protein product. Loss-of-function variants in COL1A1 are known to be pathogenic (PMID: 7942841, 9295084, 9443882). This variant is not present in population databases (gnomAD no frequency). This premature translational stop signal has been observed in individuals with osteogenesis imperfecta type I (PMID: 11317364; internal data). ClinVar contains an entry for this variant (Variation ID: 497350). For these reasons, this variant has been classified as Pathogenic.

3billion
Classification: Pathogenic for COL1A1-related disorder. Last evaluated: 2025-12-03. Review status: criteria provided, single submitter. Criteria: ACMG Guidelines, 2015. Collection method: clinical testing. Allele origin: germline. Affected: yes.
Comment: The variant is not observed in the gnomAD v4.1.0 dataset. Predicted Consequence/Location: Frameshift: predicted to result in a loss or disruption of normal protein function through nonsense-mediated decay (NMD) or protein truncation. Multiple pathogenic variants are reported downstream of the variant. The variant has been reported at least twice as pathogenic with clinical assertions and evidence for the classification (ClinVar ID: VCV000497350 /PMID: 11317364 /3billion dataset). Therefore, this variant is classified as Pathogenic according to the recommendation of ACMG/AMP guideline.

Revvity Omics, Revvity
Classification: Pathogenic. Last evaluated: 2025-05-24. Review status: criteria provided, single submitter. Criteria: ACMG Guidelines, 2015. Collection method: clinical testing. Allele origin: germline.

Mayo Clinic Laboratories, Mayo Clinic
Classification: Pathogenic. Last evaluated: 2022-03-22. Review status: criteria provided, single submitter. Criteria: ACMG Guidelines, 2015. Collection method: clinical testing. Allele origin: germline. Observed: 1 variant allele.
Comment: PM2_supporting, PS4_moderate, PVS1

Eurofins Ntd Llc (ga)
Classification: Pathogenic. Last evaluated: 2016-09-30. Review status: criteria provided, single submitter. Criteria: EGL Classification Definitions 2015. Collection method: clinical testing. Allele origin: germline. Observed: 1 variant allele, 1 heterozygote.

CENTOGENE GmbH and LLC - Guiding Precision Medicine
Classification: Pathogenic for Osteogenesis imperfecta, perinatal lethal. Review status: criteria provided, single submitter. Criteria: ACMG Guidelines, 2015. Collection method: clinical testing. Allele origin: germline. Affected: yes.

PreventionGenetics, part of Exact Sciences
Classification: Pathogenic for COL1A1-related condition. Last evaluated: 2024-06-02. Review status: no assertion criteria provided. Collection method: clinical testing. Allele origin: germline. Not counted in ClinVar's aggregate classification.
Comment: The COL1A1 c.2010delT variant is predicted to result in a frameshift and premature protein termination (p.Gly671Alafs*95). This variant has been reported to be causative for osteogenesis imperfecta (OI) (Table 1, Family Hu7, Reported as P492fsX587, Ward et al. 2001. PubMed ID: 11317364; Patient 3, Balasubramanian et al. 2016. PubMed ID: 26863094; Supplementary Table 2, Bertoli-Avella et al. 2020. PubMed ID: 32860008; Table 3, Patient ID 31, Higuchi et al. 2021. PubMed ID: 33939306). This variant was also reported, along with a COL5A1 variant, in a family with a compound phenotype of OI and Ehlers-Danlos syndrome (Lin et al. 2019. PubMed ID: 31239369). Of note, two family members had both variants and the compound phenotypes, while two other members only had the COL1A1 variant and only the OI phenotype. This variant has not been reported in a large population database, indicating this variant is rare. Frameshift variants in COL1A1 are expected to be pathogenic. This variant is interpreted as pathogenic.

Literature cited by the submitters: PubMed 7942841 (cited by Labcorp Genetics (formerly Invitae), Labcorp); PubMed 9295084 (cited by Labcorp Genetics (formerly Invitae), Labcorp); PubMed 9443882 (cited by Labcorp Genetics (formerly Invitae), Labcorp); PubMed 11317364 (cited by 3 submitters); PubMed 26863094 (cited by Mayo Clinic Laboratories, Mayo Clinic); PubMed 31239369 (cited by Mayo Clinic Laboratories, Mayo Clinic); PubMed 32860008 (cited by Mayo Clinic Laboratories, Mayo Clinic and CENTOGENE GmbH and LLC - Guiding Precision Medicine); PubMed 33939306 (cited by Mayo Clinic Laboratories, Mayo Clinic).

NM_000088.4(COL1A1):c.2010del (p.Gly671fs)

Gene: COL1A1 (collagen type I alpha 1 chain; minus strand). Cytogenetic location: 17q21.33.
Variant type: Deletion.
Coding change: c.2010del on transcript NM_000088.4 (MANE Select); coding-DNA position 2010, one base deleted (T; older notation c.2010delT).
Protein change: p.Gly671fs; shifts the reading frame from glycine 671.
Molecular consequence: frameshift variant.
Genome position (GRCh38, 1-based): chr17:50,191,998, A deleted on the plus strand (T on the coding strand, the reverse complement: COL1A1 is on the minus strand). VCF-style (leftmost placement, unchanged base first): chr17-50191997-CA-C. GRCh37 (hg19) VCF-style: chr17-48269358-CA-C.
Other names: p.Gly671Alafs*95; c.2010delT (NM_000088.3); short protein forms G671fs.
Identifiers: ClinVar variation 497350 (VCV000497350.19), dbSNP rs72651634, ClinGen allele CA291544089.